The following is an entry in ClinVar:

ClinVar aggregate classification (germline): Conflicting classifications of pathogenicity. Review status: criteria provided, conflicting classifications (1 of 4 stars). 2 submissions from 2 submitters: Uncertain significance (1); Likely benign (1). Last evaluated 2026-09-09.

Conditions:
Ataxia-pancytopenia syndrome (ATXPC). Also called: SAMD9L-Related Syndrome; SAMD9L Ataxia-Pancytopenia Syndrome. Identifiers: Orphanet 2585, MedGen C1327919, MONDO:0008038, OMIM 159550.

gnomAD v4.1: 2 of 1,613,874 alleles (0.00012%); highest among the groups gnomAD compares: Non-Finnish European, 0.00017%; no homozygotes.

Submissions (2):

Clinical Immunology, Karolinska University Hospital
Classification: Likely benign for Ataxia-pancytopenia syndrome. Last evaluated: 2026-09-09. Review status: criteria provided, single submitter. Criteria: ACMG Guidelines, 2015. Collection method: clinical testing. Allele origin: germline. Inheritance: Autosomal dominant inheritance. Affected: yes.
Comment: Variant tested in vitro shows similar results to WT, no GoF mechanism could be shown. Variant interpreted as likely benign.

GeneDx
Classification: Uncertain significance. Last evaluated: 2024-11-16. Review status: criteria provided, single submitter. Criteria: GeneDx Variant Classification Process June 2021. Collection method: clinical testing. Allele origin: germline. Affected: yes.
Comment: Not observed at significant frequency in large population cohorts (gnomAD); In silico analysis supports that this missense variant has a deleterious effect on protein structure/function; Has not been previously published as pathogenic or benign to our knowledge

NM_152703.5(SAMD9L):c.2037T>A (p.Phe679Leu)

Gene: SAMD9L (sterile alpha motif domain containing 9 like; minus strand). Cytogenetic location: 7q21.2.
Variant type: single nucleotide variant.
Coding change: c.2037T>A on transcript NM_152703.5 (MANE Select); coding-DNA position 2037, T replaced by A.
Protein change: p.Phe679Leu; replaces phenylalanine 679 with leucine.
Molecular consequence: missense variant.
Genome position (GRCh38, 1-based): chr7:93,133,935, A>T on the plus strand (T>A on the coding strand, the complement: SAMD9L is on the minus strand). VCF-style: chr7-93133935-A-T. GRCh37 (hg19) VCF-style: chr7-92763248-A-T.
Other names: c.2037T>A, p.Phe679Leu (NM_001303496.3, NM_001303497.3, NM_001303498.3 and 5 more transcripts); short protein forms F679L.
Identifiers: ClinVar variation 3899782 (VCV003899782.2).